The following is an entry in ClinVar:

NC_012920.1(MT-TW):m.5573A>G

Gene: MT-TW (mitochondrially encoded tRNA tryptophan; plus strand).
Variant type: single nucleotide variant.
Genome position: chrM-5573-A-G.
Identifiers: ClinVar variation 689947 (VCV000689947.1), dbSNP rs1603220033, ClinGen allele CA913179904.

ClinVar aggregate classification (germline): Uncertain significance (1 of 4 stars; one submission).

Conditions:
MELAS syndrome (MELAS). Also called: Juvenile myopathy, encephalopathy, lactic acidosis, stroke. Identifiers: Orphanet 550, MedGen C0162671, MONDO:0010789, OMIM 540000.

Submission:

Wong Mito Lab, Molecular and Human Genetics, Baylor College of Medicine
Classification: Uncertain significance for MELAS syndrome. Last evaluated: 2019-07-12. Review status: criteria provided, single submitter. Criteria: Modified ACMG Guidelines (Unpublished). Collection method: clinical testing. Allele origin: germline.
Comment: The NC_012920.1:m.5573A>G variant in MT-TW gene is interpreted to be a Unknown Significance variant based on the modified ACMG guidelines (unpublished). This variant meets the following evidence codes reported in the guidelines: BP6

Literature cited by the submitters: PubMed 31965079.